The following is an entry in ClinVar:

ClinVar aggregate classification (germline): Uncertain significance. Review status: criteria provided, multiple submitters, no conflicts (2 of 4 stars). 4 submissions from 4 submitters: Uncertain significance (4). Last evaluated 2025-01-31.

Conditions:
Inborn genetic diseases. Identifiers: MedGen C0950123, MeSH D030342.
MKS1-related disorder. Also called: MKS1-related disorders; MKS1-related condition. Identifiers: MedGen CN239382.
Meckel-Gruber syndrome. Also called: DYSENCEPHALIA SPLANCHNOCYSTICA; GRUBER SYNDROME; Dysencephalia splachnocystica. Identifiers: Orphanet 564, MedGen C0265215, MONDO:0018921.
Joubert syndrome. Also called: Familial aplasia of the vermis; JOUBERT-BOLTSHAUSER SYNDROME. Identifiers: Orphanet 475, MedGen C5979921, MONDO:0018772.

Allele frequency attached by ClinVar (database versions not stated): gnomAD exomes 0.00002; ExAC 0.00001; gnomAD 0.00001; TOPMed 0.00001.
gnomAD v4.1: 35 of 1,606,028 alleles (0.0022%); highest among the groups gnomAD compares: Non-Finnish European, 0.0028%; no homozygotes.

Submissions (4):

PreventionGenetics, part of Exact Sciences
Classification: Uncertain significance for MKS1-related condition. Last evaluated: 2025-01-31. Review status: criteria provided, single submitter. Criteria: ACMG Guidelines, 2015. Collection method: clinical testing. Allele origin: germline.
Comment: The MKS1 c.452T>C variant is predicted to result in the amino acid substitution p.Val151Ala. To our knowledge, this variant has not been reported in the literature. This variant is reported in 0.0039% of alleles in individuals of European (Non-Finnish) descent in gnomAD. At this time, the clinical significance of this variant is uncertain due to the absence of conclusive functional and genetic evidence.

Ambry Genetics
Classification: Uncertain significance for Inborn genetic diseases. Last evaluated: 2023-11-09. Review status: criteria provided, single submitter. Criteria: Ambry Variant Classification Scheme 2023. Collection method: clinical testing. Allele origin: germline.

Labcorp Genetics (formerly Invitae), Labcorp
Classification: Uncertain significance for Joubert syndrome; Meckel-Gruber syndrome. Last evaluated: 2022-02-06. Review status: criteria provided, single submitter. Criteria: Invitae Variant Classification Sherloc (09022015). Collection method: clinical testing. Allele origin: germline.
Comment: This sequence change replaces valine, which is neutral and non-polar, with alanine, which is neutral and non-polar, at codon 151 of the MKS1 protein (p.Val151Ala). The frequency data for this variant in the population databases is considered unreliable, as metrics indicate poor data quality at this position in the gnomAD database. This variant has not been reported in the literature in individuals affected with MKS1-related conditions. ClinVar contains an entry for this variant (Variation ID: 595437). Advanced modeling of protein sequence and biophysical properties (such as structural, functional, and spatial information, amino acid conservation, physicochemical variation, residue mobility, and thermodynamic stability) performed at Invitae indicates that this missense variant is not expected to disrupt MKS1 protein function. In summary, the available evidence is currently insufficient to determine the role of this variant in disease. Therefore, it has been classified as a Variant of Uncertain Significance.

Eurofins Ntd Llc (ga)
Classification: Uncertain significance. Last evaluated: 2017-12-18. Review status: criteria provided, single submitter. Criteria: EGL Classification Definitions 2015. Collection method: clinical testing. Allele origin: germline. Observed: 1 variant allele, 1 heterozygote.

NM_017777.4(MKS1):c.452T>C (p.Val151Ala)

Gene: MKS1 (MKS transition zone complex subunit 1; minus strand). Cytogenetic location: 17q22.
Variant type: single nucleotide variant.
Coding change: c.452T>C on transcript NM_017777.4 (MANE Select); coding-DNA position 452, T replaced by C.
Protein change: p.Val151Ala; replaces valine 151 with alanine.
Molecular consequence: missense variant. On other transcripts: intron variant (1).
Genome position (GRCh38, 1-based): chr17:58,214,804, A>G on the plus strand (T>C on the coding strand, the complement: MKS1 is on the minus strand). VCF-style: chr17-58214804-A-G. GRCh37 (hg19) VCF-style: chr17-56292165-A-G.
Other names: c.452T>C, p.Val151Ala (NM_001321269.2, NM_001330397.2); c.-94-417T>C (NM_001321268.2); c.452T>C (NM_017777.3); short protein forms V151A.
Identifiers: ClinVar variation 595437 (VCV000595437.9), dbSNP rs778584579, ClinGen allele CA8669518.